The following is an entry in ClinVar:

ClinVar aggregate classification (germline): Uncertain significance. Review status: criteria provided, multiple submitters, no conflicts (2 of 4 stars). 2 submissions from 2 submitters: Uncertain significance (2). Last evaluated 2024-05-17.

Conditions:
Intellectual developmental disorder, X-linked, syndromic 34. Also called: Syndromic X-linked intellectual disability 34; MENTAL RETARDATION, X-LINKED, SYNDROMIC, MIRCSOF-LANGOUET TYPE. Identifiers: Orphanet 466791, MedGen C4225417, MONDO:0010501, OMIM 300967.

Allele frequency attached by ClinVar (database versions not stated): gnomAD exomes below 0.00001 and 0.00001; ExAC 0.00003; TOPMed 0.00001.
gnomAD v4.1: 4 of 1,185,422 alleles (0.00034%); highest among the groups gnomAD compares: South Asian, 0.0037%; no homozygotes.

Submissions (2):

Pittsburgh Clinical Genomics Laboratory, University of Pittsburgh Medical Center
Classification: Uncertain significance for Intellectual developmental disorder, X-linked, syndromic 34. Last evaluated: 2024-05-17. Review status: criteria provided, single submitter. Criteria: ACMG Guidelines, 2015. Collection method: clinical testing. Allele origin: germline. Inheritance: X-linked inheritance. Affected: yes.
Comment: This sequence variant is a single nucleotide substitution (C>T) at position 107 of the coding sequence of the NONO gene that results in a proline to leucine amino acid change at residue 36 of the non-POU domain containing octamer binding protein. This is a previously reported variant (ClinVar 1341844) that has not been observed in the literature in individuals affected by NONO-related disease, to our knowledge. This variant is present in 4 of 1185422 alleles (0.00034%), including 1 hemizygote, in the gnomAD v4.1.1 population dataset. Multiple bioinformatic tools predict that this amino acid change would be neutral, and the Pro36 residue at this position is moderately conserved across the vertebrate species examined. Studies examining the functional consequence of this variant have not been performed, to our knowledge. At this time, there is insufficient evidence to determine if this variant is pathogenic or benign. Therefore, we consider this a variant of uncertain significance. ACMG Criteria: BP4, PM2

New York Genome Center
Classification: Uncertain significance for Intellectual developmental disorder, X-linked, syndromic 34. Last evaluated: 2021-01-22. Review status: criteria provided, single submitter. Criteria: NYGC Assertion Criteria 2020. Collection method: clinical testing. Allele origin: inherited. Observed: 1 hemizygote. Study: CSER-NYCKidSeq.

NM_007363.5(NONO):c.107C>T (p.Pro36Leu)

Gene: NONO (non-POU domain containing octamer binding; plus strand). Cytogenetic location: Xq13.1.
Variant type: single nucleotide variant.
Coding change: c.107C>T on transcript NM_007363.5 (MANE Select); coding-DNA position 107, C replaced by T.
Protein change: p.Pro36Leu; replaces proline 36 with leucine.
Molecular consequence: missense variant. On other transcripts: intron variant (1).
Genome position (GRCh38, 1-based): chrX:71,290,744, C>T. VCF-style: chrX-71290744-C-T. GRCh37 (hg19) VCF-style: chrX-70510594-C-T.
Other names: c.107C>T, p.Pro36Leu (NM_001145408.2, NM_001145409.2); c.-113-1035C>T (NM_001145410.2); short protein forms P36L.
Identifiers: ClinVar variation 1341844 (VCV001341844.2), dbSNP rs750695677, ClinGen allele CA10446043.
Genomic context (GRCh38, chrX:71,290,744, plus strand): 5'-CAAGAAAGCATCATCAACATCACCACCAGCAGCAGCACCACCAGCAGCAACAGCAGCAGC[C>T]GCCACCACCGCCAATACCTGCAAATGGGCAACAGGCCAGCAGCCAAAGTGTGTATATGCT-3'
Protein context (NP_031389.3, residues 26-46): QQHHQQQQQQ[Pro36Leu]PPPPIPANGQ